The following is an entry in ClinVar:

NM_017802.4(DNAAF5):c.221C>A (p.Ala74Glu)

Genes: PRKAR1B (protein kinase cAMP-dependent type I regulatory subunit beta; minus strand), DNAAF5 (dynein axonemal assembly factor 5; plus strand), LOC129997730 (ATAC-STARR-seq lymphoblastoid silent region 17816; plus strand). Cytogenetic location: 7p22.3.
Variant type: single nucleotide variant.
Coding change: c.221C>A on transcript NM_017802.4 (MANE Select); coding-DNA position 221, C replaced by A.
Protein change: p.Ala74Glu; replaces alanine 74 with glutamic acid.
Molecular consequence: missense variant. On other transcripts: non-coding transcript variant (1), intron variant (3).
Genome position (GRCh38, 1-based): chr7:726,941, C>A. VCF-style: chr7-726941-C-A. GRCh37 (hg19) VCF-style: chr7-766578-C-A.
Other names: c.-23+714G>T (NM_001164759.1); c.-23+649G>T (NM_001164758.2); c.-23+269G>T (NM_001164760.2); short protein forms A74E.
Identifiers: ClinVar variation 663116 (VCV000663116.6), dbSNP rs756968294, ClinGen allele CA4110355.
Genomic context (GRCh38, chr7:726,941, plus strand): 5'-GGCGCGCGCTGGAGGAGCCAGGCCCTGCCGCCGACCCCACCGCTTTCCAGGGCCCCTGGG[C>A]GCGCCTACTGCTGCCGCGCTTGCTGCGCTGCCTGAGCGACCCCGCCGAGGGCTGCCGCGC-3'
Protein context (NP_060272.3, residues 64-84): ADPTAFQGPW[Ala74Glu]RLLLPRLLRC

ClinVar aggregate classification (germline): Conflicting classifications of pathogenicity. Review status: criteria provided, conflicting classifications (1 of 4 stars). 2 submissions from 2 submitters: Uncertain significance (1); Likely benign (1). Last evaluated 2022-10-13.

Conditions:
Primary ciliary dyskinesia. Also called: Ciliary dyskinesia. Identifiers: Orphanet 244, MedGen C0008780, MONDO:0016575, HP:0012265.

Allele frequency attached by ClinVar (database versions not stated): ExAC below 0.00001; 1000 Genomes Project 30x 0.00016; gnomAD 0.00032; TOPMed 0.00038.
gnomAD v4.1: 79 of 1,339,078 alleles (0.0059%); highest among the groups gnomAD compares: African/African-American, 0.1%; no homozygotes.

Submissions (2):

Labcorp Genetics (formerly Invitae), Labcorp
Classification: Uncertain significance for Primary ciliary dyskinesia. Last evaluated: 2022-10-13. Review status: criteria provided, single submitter. Criteria: Invitae Variant Classification Sherloc (09022015). Collection method: clinical testing. Allele origin: germline.
Comment: This sequence change replaces alanine, which is neutral and non-polar, with glutamic acid, which is acidic and polar, at codon 74 of the DNAAF5 protein (p.Ala74Glu). The frequency data for this variant in the population databases is considered unreliable, as metrics indicate poor data quality at this position in the gnomAD database. This variant has not been reported in the literature in individuals affected with DNAAF5-related conditions. ClinVar contains an entry for this variant (Variation ID: 663116). Advanced modeling of protein sequence and biophysical properties (such as structural, functional, and spatial information, amino acid conservation, physicochemical variation, residue mobility, and thermodynamic stability) performed at Invitae indicates that this missense variant is not expected to disrupt DNAAF5 protein function. In summary, the available evidence is currently insufficient to determine the role of this variant in disease. Therefore, it has been classified as a Variant of Uncertain Significance.

Ambry Genetics
Classification: Likely benign for Primary ciliary dyskinesia. Last evaluated: 2022-04-08. Review status: criteria provided, single submitter. Criteria: Ambry Variant Classification Scheme 2023. Collection method: clinical testing. Allele origin: germline.